The following is an entry in ClinVar:

NM_001378454.1(ALMS1):c.8484A>C (p.Ala2828=)

Gene: ALMS1 (ALMS1 centrosome and basal body associated protein; plus strand). Cytogenetic location: 2p13.1.
Variant type: single nucleotide variant.
Coding change: c.8484A>C on transcript NM_001378454.1 (MANE Select); coding-DNA position 8484, A replaced by C.
Protein change: p.Ala2828=; no amino-acid change (alanine 2828 retained).
Molecular consequence: synonymous variant.
Genome position (GRCh38, 1-based): chr2:73,490,443, A>C. VCF-style: chr2-73490443-A-C. GRCh37 (hg19) VCF-style: chr2-73717570-A-C.
Other names: c.8487A>C, p.Ala2829= (NM_015120.4).
Identifiers: ClinVar variation 2001917 (VCV002001917.1), dbSNP rs2466216150, ClinGen allele CA427015109.
Genomic context (GRCh38, chr2:73,490,443, plus strand): 5'-AGAAAAACCCTTAGAAAGATCAGATTTTACAGGCAGTCATTCTGAGCCCAGTACCAGGGC[A>C]AATTGTAGCAATTTCAAGGAAATTCAGATTTCTGATAACCATACCCTTATTAGCATGGGC-3'
Protein context (NP_001365383.1, residues 2818-2838): TGSHSEPSTR[Ala2828=]NCSNFKEIQI

ClinVar aggregate classification (germline): Uncertain significance (1 of 4 stars; one submission).

Conditions:
Alstrom syndrome (ALMS). Identifiers: Orphanet 64, MedGen C0268425, MONDO:0008763, OMIM 203800.

Submission:

Labcorp Genetics (formerly Invitae), Labcorp
Classification: Uncertain significance for Alstrom syndrome. Last evaluated: 2022-06-02. Review status: criteria provided, single submitter. Criteria: Invitae Variant Classification Sherloc (09022015). Collection method: clinical testing. Allele origin: germline.
Comment: This sequence change affects codon 2829 of the ALMS1 mRNA. It is a 'silent' change, meaning that it does not change the encoded amino acid sequence of the ALMS1 protein. It affects a nucleotide within the consensus splice site. This variant is not present in population databases (gnomAD no frequency). This variant has not been reported in the literature in individuals affected with ALMS1-related conditions. Experimental studies and prediction algorithms are not available or were not evaluated, and the effect of this variant on mRNA splicing is currently unknown. In summary, the available evidence is currently insufficient to determine the role of this variant in disease. Therefore, it has been classified as a Variant of Uncertain Significance.